The following is an entry in ClinVar:

NM_000489.6(ATRX):c.1169G>C (p.Arg390Pro)

Gene: ATRX (ATRX chromatin remodeler; minus strand). Cytogenetic location: Xq21.1.
Variant type: single nucleotide variant.
Coding change: c.1169G>C on transcript NM_000489.6 (MANE Select); coding-DNA position 1169, G replaced by C.
Protein change: p.Arg390Pro; replaces arginine 390 with proline.
Molecular consequence: missense variant.
Genome position (GRCh38, 1-based): chrX:77,684,087, C>G on the plus strand (G>C on the coding strand, the complement: ATRX is on the minus strand). VCF-style: chrX-77684087-C-G. GRCh37 (hg19) VCF-style: chrX-76939579-C-G.
Other names: c.1055G>C, p.Arg352Pro (NM_138270.5); short protein forms R352P, R390P.
Identifiers: ClinVar variation 1054469 (VCV001054469.9), dbSNP rs367986587, ClinGen allele CA413719230.

ClinVar aggregate classification (germline): Uncertain significance (1 of 4 stars; one submission).

Conditions:
Alpha thalassemia-X-linked intellectual disability syndrome (ATRX). Also called: ALPHA-THALASSEMIA/MENTAL RETARDATION SYNDROME, X-LINKED; ATR, NONDELETION TYPE; ATR-X syndrome; Alpha thalassemia mental retardation syndrome, nondeletion type, X-linked; XLMR hypotonic face syndrome; X-linked alpha-thalassemia-mental retardation syndrome. Identifiers: Orphanet 847, MedGen C1845055, MONDO:0010519, OMIM 301040.

Submission:

Labcorp Genetics (formerly Invitae), Labcorp
Classification: Uncertain significance for Alpha thalassemia-X-linked intellectual disability syndrome. Last evaluated: 2020-06-09. Review status: criteria provided, single submitter. Criteria: Invitae Variant Classification Sherloc (09022015). Collection method: clinical testing. Allele origin: germline.
Comment: This variant has not been reported in the literature in individuals with ATRX-related conditions. This variant is not present in population databases (ExAC no frequency). This sequence change replaces arginine with proline at codon 390 of the ATRX protein (p.Arg390Pro). The arginine residue is moderately conserved and there is a moderate physicochemical difference between arginine and proline. Algorithms developed to predict the effect of missense changes on protein structure and function are either unavailable or do not agree on the potential impact of this missense change (SIFT: "Tolerated"; PolyPhen-2: "Probably Damaging"; Align-GVGD: "Class C0"). In summary, the available evidence is currently insufficient to determine the role of this variant in disease. Therefore, it has been classified as a Variant of Uncertain Significance.